The following is an entry in ClinVar:

ClinVar aggregate classification (germline): Uncertain significance (1 of 4 stars; one submission).

Conditions:
Bloom syndrome (BLM). Also called: Bloom-Torre-Machacek syndrome. Identifiers: Orphanet 125, MedGen C0005859, MONDO:0008876, OMIM 210900.

Submission:

Labcorp Genetics (formerly Invitae), Labcorp
Classification: Uncertain significance for Bloom syndrome. Last evaluated: 2025-03-10. Review status: criteria provided, single submitter. Criteria: Invitae Variant Classification Sherloc (09022015). Collection method: clinical testing. Allele origin: germline.
Comment: This sequence change replaces proline, which is neutral and non-polar, with leucine, which is neutral and non-polar, at codon 609 of the BLM protein (p.Pro609Leu). This variant is not present in population databases (gnomAD no frequency). This variant has not been reported in the literature in individuals affected with BLM-related conditions. ClinVar contains an entry for this variant (Variation ID: 836018). Invitae Evidence Modeling of protein sequence and biophysical properties (such as structural, functional, and spatial information, amino acid conservation, physicochemical variation, residue mobility, and thermodynamic stability) indicates that this missense variant is not expected to disrupt BLM protein function with a negative predictive value of 80%. In summary, the available evidence is currently insufficient to determine the role of this variant in disease. Therefore, it has been classified as a Variant of Uncertain Significance.

NM_000057.4(BLM):c.1826C>T (p.Pro609Leu)

Gene: BLM (BLM RecQ like helicase; plus strand). Cytogenetic location: 15q26.1.
Variant type: single nucleotide variant.
Coding change: c.1826C>T on transcript NM_000057.4 (MANE Select); coding-DNA position 1826, C replaced by T.
Protein change: p.Pro609Leu; replaces proline 609 with leucine.
Molecular consequence: missense variant.
Genome position (GRCh38, 1-based): chr15:90,761,199, C>T. VCF-style: chr15-90761199-C-T. GRCh37 (hg19) VCF-style: chr15-91304429-C-T.
Other names: c.1826C>T, p.Pro609Leu (NM_001287246.2, NM_001287247.2); c.701C>T, p.Pro234Leu (NM_001287248.2); short protein forms P234L, P609L.
Identifiers: ClinVar variation 836018 (VCV000836018.10), dbSNP rs1895978264, ClinGen allele CA393843927.